The following is an entry in ClinVar:

ClinVar aggregate classification (germline): Uncertain significance. Review status: criteria provided, single submitter (1 of 4 stars). 2 submissions from 2 submitters: Uncertain significance (1). 1 of the submissions does not count toward it. Last evaluated 2025-08-22.

Conditions:
THADA-related disorder. Also called: THADA-related condition.

Allele frequency attached by ClinVar (database versions not stated): gnomAD exomes 0.00028; ExAC 0.00150; gnomAD 0.00255; 1000 Genomes Project 30x 0.00297; TOPMed 0.00297; 1000 Genomes Project 0.00300; ESP Exome Variant Server 0.00347.
gnomAD v4.1: 778 of 1,541,950 alleles (0.05%); highest among the groups gnomAD compares: African/African-American, 0.99%; 2 homozygotes.

Submissions (2):

Ambry Genetics
Classification: Uncertain significance. Last evaluated: 2025-08-22. Review status: criteria provided, single submitter. Criteria: Ambry Variant Classification Scheme 2023. Collection method: clinical testing. Allele origin: germline.

PreventionGenetics, part of Exact Sciences
Classification: Benign for THADA-related condition. Last evaluated: 2019-09-24. Review status: no assertion criteria provided. Collection method: clinical testing. Allele origin: germline. Not counted in ClinVar's aggregate classification.
Comment: This variant is classified as benign based on ACMG/AMP sequence variant interpretation guidelines (Richards et al. 2015 PMID: 25741868, with internal and published modifications).

NM_022065.5(THADA):c.5475A>C (p.Glu1825Asp)

Gene: THADA (THADA armadillo repeat containing; minus strand). Cytogenetic location: 2p21.
Variant type: single nucleotide variant.
Coding change: c.5475A>C on transcript NM_022065.5 (MANE Select); coding-DNA position 5475, A replaced by C.
Protein change: p.Glu1825Asp; replaces glutamic acid 1825 with aspartic acid.
Molecular consequence: missense variant. On other transcripts: non-coding transcript variant (2).
Genome position (GRCh38, 1-based): chr2:43,231,335, T>G on the plus strand (A>C on the coding strand, the complement: THADA is on the minus strand). VCF-style: chr2-43231335-T-G. GRCh37 (hg19) VCF-style: chr2-43458474-T-G.
Other names: c.5475A>C, p.Glu1825Asp (NM_001083953.2, NM_001345925.2); c.5472A>C, p.Glu1824Asp (NM_001345923.2); c.5352A>C, p.Glu1784Asp (NM_001345924.2); c.*1546A>C (NM_198554.1); c.5475A>C (NM_022065.4); short protein forms E1784D, E1824D, E1825D.
Identifiers: ClinVar variation 3033549 (VCV003033549.3), dbSNP rs147386872, ClinGen allele CA1631874.